The following is an entry in ClinVar:

ClinVar aggregate classification (germline): Pathogenic (1 of 4 stars; one submission).

Submission:

Labcorp Genetics (formerly Invitae), Labcorp
Classification: Pathogenic. Last evaluated: 2023-11-11. Review status: criteria provided, single submitter. Criteria: Invitae Variant Classification Sherloc (09022015). Collection method: clinical testing. Allele origin: germline.
Comment: This sequence change creates a premature translational stop signal (p.Ser870*) in the HPS3 gene. It is expected to result in an absent or disrupted protein product. Loss-of-function variants in HPS3 are known to be pathogenic (PMID: 11590544). This variant is not present in population databases (gnomAD no frequency). This variant has not been reported in the literature in individuals affected with HPS3-related conditions. ClinVar contains an entry for this variant (Variation ID: 1416732). Algorithms developed to predict the effect of sequence changes on RNA splicing suggest that this variant may disrupt the consensus splice site. For these reasons, this variant has been classified as Pathogenic.

Literature cited by the submitters: PubMed 11590544.

NM_032383.5(HPS3):c.2609C>A (p.Ser870Ter)

Genes: CP (ceruloplasmin; minus strand), HPS3 (HPS3 biogenesis of lysosomal organelles complex 2 subunit 1; plus strand). Cytogenetic location: 3q24.
Variant type: single nucleotide variant.
Coding change: c.2609C>A on transcript NM_032383.5 (MANE Select); coding-DNA position 2609, C replaced by A.
Protein change: p.Ser870Ter; replaces serine 870 with a stop codon.
Molecular consequence: nonsense.
Genome position (GRCh38, 1-based): chr3:149,167,053, C>A. VCF-style: chr3-149167053-C-A. GRCh37 (hg19) VCF-style: chr3-148884840-C-A.
Other names: c.2114C>A, p.Ser705Ter (NM_001308258.2); short protein forms S870*, S705*.
Identifiers: ClinVar variation 1416732 (VCV001416732.6), dbSNP rs2108184013, ClinGen allele CA354925333.